The following is an entry in ClinVar:

NM_000059.4(BRCA2):c.5139T>A (p.Asn1713Lys)

Gene: BRCA2 (BRCA2 DNA repair associated; plus strand). Cytogenetic location: 13q13.1.
Variant type: single nucleotide variant.
Coding change: c.5139T>A on transcript NM_000059.4 (MANE Select); coding-DNA position 5139, T replaced by A.
Protein change: p.Asn1713Lys; replaces asparagine 1713 with lysine.
Molecular consequence: missense variant.
Genome position (GRCh38, 1-based): chr13:32,339,494, T>A. VCF-style: chr13-32339494-T-A. GRCh37 (hg19) VCF-style: chr13-32913631-T-A.
Other names: short protein forms N1713K.
Identifiers: ClinVar variation 841932 (VCV000841932.14), dbSNP rs2072521292, ClinGen allele CA387784194.

ClinVar aggregate classification (germline): Conflicting classifications of pathogenicity. Review status: criteria provided, conflicting classifications (1 of 4 stars). 2 submissions from 2 submitters: Uncertain significance (1); Likely benign (1). Last evaluated 2023-03-23.

Conditions:
Hereditary breast ovarian cancer syndrome. Also called: Breast and ovarian cancer; Hereditary breast and ovarian cancer syndrome; Hereditary breast and ovarian cancer syndrome (HBOC); BRCA1- and BRCA2-Associated Hereditary Breast and Ovarian Cancer; Hereditary breast and ovarian cancer; Hereditary breast and/or ovarian cancer syndrome. Identifiers: Orphanet 145, MedGen C0677776, MeSH D061325, MONDO:0003582. Disease mechanism: loss of function.
Hereditary cancer-predisposing syndrome. Also called: Hereditary Cancer Syndrome; Hereditary neoplastic syndrome; Tumor predisposition; Neoplastic Syndromes, Hereditary. Identifiers: Orphanet 140162, MedGen C0027672, MeSH D009386, MONDO:0015356.

Submissions (2):

University of Washington Department of Laboratory Medicine, University of Washington
Classification: Likely benign for Hereditary cancer-predisposing syndrome. Last evaluated: 2023-03-23. Review status: criteria provided, single submitter. Criteria: Dines et al. (Genet Med. 2020). Collection method: curation. Allele origin: germline.
Comment: Missense variant in a coldspot region where missense variants are very unlikely to be pathogenic (PMID:31911673).

BRCA2 exon 11 coldspot. Reclassification based on statistical prior probability.

Labcorp Genetics (formerly Invitae), Labcorp
Classification: Uncertain significance for Hereditary breast ovarian cancer syndrome. Last evaluated: 2019-12-23. Review status: criteria provided, single submitter. Criteria: Invitae Variant Classification Sherloc (09022015). Collection method: clinical testing. Allele origin: germline.
Comment: This sequence change replaces asparagine with lysine at codon 1713 of the BRCA2 protein (p.Asn1713Lys). The asparagine residue is moderately conserved and there is a moderate physicochemical difference between asparagine and lysine. This variant is not present in population databases (ExAC no frequency). This variant has not been reported in the literature in individuals with BRCA2-related conditions. In summary, the available evidence is currently insufficient to determine the role of this variant in disease. Therefore, it has been classified as a Variant of Uncertain Significance. Algorithms developed to predict the effect of missense changes on protein structure and function output the following: SIFT: "Tolerated"; PolyPhen-2: "Benign"; Align-GVGD: "Class C0". The lysine amino acid residue is found in multiple mammalian species, suggesting that this missense change does not adversely affect protein function. These predictions have not been confirmed by published functional studies and their clinical significance is uncertain.